The following is an entry in ClinVar:

ClinVar aggregate classification (germline): Likely benign. Review status: criteria provided, multiple submitters, no conflicts (2 of 4 stars). 8 submissions from 8 submitters: Likely benign (6). 2 of the submissions do not count toward it. Last evaluated 2026-08-01.

Allele frequency attached by ClinVar (database versions not stated): 1000 Genomes Project 30x 0.00062; gnomAD 0.00067 and 0.00068; 1000 Genomes Project 0.00080; gnomAD exomes 0.00085; ExAC 0.00095; TOPMed 0.00097; ESP Exome Variant Server 0.00115.
gnomAD v4.1: 1,099 of 1,614,044 alleles (0.068%); highest among the groups gnomAD compares: Middle Eastern, 3.7%; 16 homozygotes.

Submissions (8):

CeGaT Center for Human Genetics Tuebingen
Classification: Likely benign. Last evaluated: 2026-08-01. Review status: criteria provided, single submitter. Criteria: CeGaT Center For Human Genetics Tuebingen Variant Classification Criteria Version 2. Collection method: clinical testing. Allele origin: germline. Affected: yes. Observed: 6 variant alleles.
Comment: C1S: BP4, BP7

Labcorp Genetics (formerly Invitae), Labcorp
Classification: Likely benign. Last evaluated: 2026-02-04. Review status: criteria provided, single submitter. Criteria: Invitae Variant Classification Sherloc (09022015). Collection method: clinical testing. Allele origin: germline.

Women's Health and Genetics/Laboratory Corporation of America, LabCorp
Classification: Likely benign. Last evaluated: 2024-12-23. Review status: criteria provided, single submitter. Criteria: LabCorp Variant Classification Summary - May 2015. Collection method: clinical testing. Allele origin: germline.

Blueprint Genetics
Classification: Likely benign. Last evaluated: 2024-11-25. Review status: criteria provided, single submitter. Criteria: ACMG Guidelines, 2015. Collection method: clinical testing. Allele origin: germline.

Laboratory for Molecular Medicine, Mass General Brigham Personalized Medicine
Classification: Likely benign. Last evaluated: 2016-03-28. Review status: criteria provided, single submitter. Criteria: LMM Criteria. Collection method: clinical testing. Allele origin: germline.
Comment: Variant identified in a genome or exome case(s) and assessed due to predicted null impact of the variant or pathogenic assertions in the literature or databases. Disclaimer: This variant has not undergone full assessment. The following are preliminary notes: Silent variant.

Breakthrough Genomics
Classification: Likely benign. Review status: criteria provided, single submitter. Criteria: ACMG Guidelines, 2015. Collection method: not provided. Allele origin: germline. Inheritance: Autosomal dominant inheritance. Affected: yes.

Clinical Genetics DNA and cytogenetics Diagnostics Lab, Erasmus MC, Erasmus Medical Center
Classification: Likely benign. Review status: no assertion criteria provided. Collection method: clinical testing. Allele origin: germline. Affected: yes. Study: VKGL Data-share Consensus. Not counted in ClinVar's aggregate classification.

Genome Diagnostics Laboratory, University Medical Center Utrecht
Classification: Likely benign. Review status: no assertion criteria provided. Collection method: clinical testing. Allele origin: germline. Affected: yes. Study: VKGL Data-share Consensus. Not counted in ClinVar's aggregate classification.

NM_001734.5(C1S):c.1284C>G (p.Pro428=)

Gene: C1S (complement C1s; plus strand). Cytogenetic location: 12p13.31.
Variant type: single nucleotide variant.
Coding change: c.1284C>G on transcript NM_001734.5 (MANE Select); coding-DNA position 1284, C replaced by G.
Protein change: p.Pro428=; no amino-acid change (proline 428 retained).
Molecular consequence: synonymous variant.
Genome position (GRCh38, 1-based): chr12:7,069,868, C>G. VCF-style: chr12-7069868-C-G. GRCh37 (hg19) VCF-style: chr12-7177172-C-G.
Other names: c.783C>G, p.Pro261= (NM_001346850.2); c.1284C>G, p.Pro428= (NM_201442.4).
Identifiers: ClinVar variation 402441 (VCV000402441.43), dbSNP rs144851896, ClinGen allele CA6423761.